The following is an entry in ClinVar:

ClinVar aggregate classification (germline): Uncertain significance (1 of 4 stars; one submission).

Conditions:
Hereditary breast ovarian cancer syndrome. Also called: BRCA1- and BRCA2-Associated Hereditary Breast and Ovarian Cancer; Hereditary breast and/or ovarian cancer syndrome; Hereditary breast and ovarian cancer syndrome; Hereditary breast and ovarian cancer syndrome (HBOC); Breast and ovarian cancer; Hereditary breast and ovarian cancer. Identifiers: Orphanet 145, MedGen C0677776, MeSH D061325, MONDO:0003582. Disease mechanism: loss of function.

Submission:

Labcorp Genetics (formerly Invitae), Labcorp
Classification: Uncertain significance for Hereditary breast ovarian cancer syndrome. Last evaluated: 2024-07-22. Review status: criteria provided, single submitter. Criteria: Invitae Variant Classification Sherloc (09022015). Collection method: clinical testing. Allele origin: germline.
Comment: This sequence change falls in intron 4 of the BRCA2 gene. It does not directly change the encoded amino acid sequence of the BRCA2 protein. RNA analysis indicates that this variant induces altered splicing and may result in an absent or altered protein product. This variant is not present in population databases (gnomAD no frequency). This variant has not been reported in the literature in individuals affected with BRCA2-related conditions. Studies have shown that this variant results in skipping of exon 5, and produces a non-functional protein and/or introduces a premature termination codon (Invitae). In summary, the available evidence is currently insufficient to determine the role of this variant in disease. Therefore, it has been classified as a Variant of Uncertain Significance.

NM_000059.4(BRCA2):c.426-6T>G

Gene: BRCA2 (BRCA2 DNA repair associated; plus strand). Cytogenetic location: 13q13.1.
Variant type: single nucleotide variant.
Coding change: c.426-6T>G on transcript NM_000059.4 (MANE Select); 6 bases into the intron before coding-DNA position 426, T replaced by G.
Molecular consequence: intron variant.
Genome position (GRCh38, 1-based): chr13:32,326,095, T>G. VCF-style: chr13-32326095-T-G. GRCh37 (hg19) VCF-style: chr13-32900232-T-G.
Other names: c.426-6T>G (NM_001432077.1, NM_001406720.1, NM_001406719.1 and 1 more transcripts); c.57-6T>G (NM_001406722.1).
Identifiers: ClinVar variation 3640098 (VCV003640098.2).